The following is an entry in ClinVar:

ClinVar aggregate classification (germline): Uncertain significance (1 of 4 stars; one submission).

Conditions:
Epidermolysis bullosa pruriginosa. Also called: DEB, PRURIGINOSA; DYSTROPHIC EPIDERMOLYSIS BULLOSA PRURIGINOSA. Identifiers: Orphanet 89843, MedGen C1275114, MONDO:0011398, OMIM 604129.

Submission:

Centre for Mendelian Genomics, University Medical Centre Ljubljana
Classification: Uncertain significance for Epidermolysis bullosa pruriginosa. Last evaluated: 2019-11-06. Review status: criteria provided, single submitter. Criteria: ACMG Guidelines, 2015. Collection method: clinical testing. Allele origin: unknown. Affected: yes.
Comment: This variant was classified as: Uncertain significance. The available evidence on this variant's pathogenicity is insufficient or conflicting. The following ACMG criteria were applied in classifying this variant: PM2,PP3.

NM_000094.4(COL7A1):c.2157G>C (p.Trp719Cys)

Gene: COL7A1 (collagen type VII alpha 1 chain; minus strand). Cytogenetic location: 3p21.31.
Variant type: single nucleotide variant.
Coding change: c.2157G>C on transcript NM_000094.4 (MANE Select); coding-DNA position 2157, G replaced by C.
Protein change: p.Trp719Cys; replaces tryptophan 719 with cysteine.
Molecular consequence: missense variant.
Genome position (GRCh38, 1-based): chr3:48,589,612, C>G on the plus strand (G>C on the coding strand, the complement: COL7A1 is on the minus strand). VCF-style: chr3-48589612-C-G. GRCh37 (hg19) VCF-style: chr3-48627045-C-G.
Other names: short protein forms W719C.
Identifiers: ClinVar variation 930807 (VCV000930807.3), dbSNP rs2045549952, ClinGen allele CA352725188.